The following is an entry in ClinVar:

ClinVar aggregate classification (germline): Uncertain significance (1 of 4 stars; one submission).

Submission:

Dasa
Classification: Uncertain significance. Last evaluated: 2025-06-30. Review status: criteria provided, single submitter. Criteria: DASA Assertion Criteria. Collection method: clinical testing. Allele origin: germline.
Comment: NM_006267.5(RANBP2):c.7573_7575del (p.Phe2525del) is an in-frame deletion predicted to remove phenylalanine at protein position 2525 without shifting the reading frame. This variant is absent from population databases. The currently available literature and clinical evidence are not sufficient to establish a definitive association between this variant and the reported condition. Therefore, this variant is classified as a variant of uncertain significance.

NM_006267.5(RANBP2):c.7573_7575del (p.Phe2525del)

Gene: RANBP2 (RAN binding protein 2; plus strand). Cytogenetic location: 2q13.
Variant type: Deletion.
Coding change: c.7573_7575del on transcript NM_006267.5 (MANE Select); coding-DNA positions 7573 to 7575, 3 bases deleted (TTT; older notation c.7573_7575delTTT).
Protein change: p.Phe2525del; deletes phenylalanine 2525.
Molecular consequence: inframe deletion.
Genome position (GRCh38, 1-based): chr2:108,768,112-108,768,114, TTT deleted; deleting any 3 consecutive bases within chr2:108,768,110-108,768,114 gives the same sequence; the c. name uses the placement nearest the transcript's 3' end. VCF-style (leftmost placement, unchanged base first): chr2-108768109-ATTT-A. GRCh37 (hg19) VCF-style: chr2-109384565-ATTT-A.
Other names: c.7573_7575del, p.Phe2525del (NM_001415871.1, NM_001415873.1); c.7570_7572del, p.Phe2524del (NM_001415872.1); short protein forms F2524del, F2525del.
Identifiers: ClinVar variation 4884018 (VCV004884018.2).